The following is an entry in ClinVar:

NM_001267550.2(TTN):c.56872G>A (p.Asp18958Asn)

Genes: TTN (titin; minus strand), TTN-AS1 (TTN antisense RNA 1; plus strand). Cytogenetic location: 2q31.2.
Variant type: single nucleotide variant.
Coding change: c.56872G>A on transcript NM_001267550.2 (MANE Select); coding-DNA position 56872, G replaced by A.
Protein change: p.Asp18958Asn; replaces aspartic acid 18958 with asparagine.
Molecular consequence: missense variant.
Genome position (GRCh38, 1-based): chr2:178,598,838, C>T on the plus strand (G>A on the coding strand, the complement: TTN is on the minus strand). VCF-style: chr2-178598838-C-T. GRCh37 (hg19) VCF-style: chr2-179463565-C-T.
Other names: p.Asp17317Asn; c.51949G>A, p.Asp17317Asn (NM_001256850.1); c.29677G>A, p.Asp9893Asn (NM_003319.4); c.30052G>A, p.Asp10018Asn (NM_133432.3); c.30253G>A, p.Asp10085Asn (NM_133437.4); c.49168G>A, p.Asp16390Asn (NM_133378.4); short protein forms D16390N, D18958N, D10085N, D17317N, D10018N, D9893N.
Identifiers: ClinVar variation 165959 (VCV000165959.14), dbSNP rs576158850, ClinGen allele CA178686.
Genomic context (GRCh38, chr2:178,598,838, plus strand): 5'-ATGGCAGACTTGCTGGACCCACGCCAGCAGCATTGATTGCATATACCCGGAATTGATAGT[C>T]GGAACCTTCAATAAGACCAGTCACTTTATAAGAAACACCCAAAGTCATGGCTTTGATAGG-3'
Protein context (NP_001254479.2, residues 18948-18968): YKVTGLIEGS[Asp18958Asn]YQFRVYAINA

ClinVar aggregate classification (germline): Uncertain significance. Review status: criteria provided, multiple submitters, no conflicts (2 of 4 stars). 9 submissions from 5 submitters: Uncertain significance (9). Last evaluated 2022-04-28.

Conditions:
Autosomal recessive limb-girdle muscular dystrophy type 2J (LGMDR10). Also called: MUSCULAR DYSTROPHY, LIMB-GIRDLE, AUTOSOMAL RECESSIVE 10; Limb-girdle muscular dystrophy, type 2J. Identifiers: Orphanet 140922, MedGen C1837342, MONDO:0012127, OMIM 608807.
Dilated cardiomyopathy 1G (CMD1G). Identifiers: Orphanet 154, MedGen C1858763, MONDO:0011400, OMIM 604145.
Early-onset myopathy with fatal cardiomyopathy (CMYO5). Also called: CONGENITAL MYOPATHY 5 WITH CARDIOMYOPATHY; Salih Myopathy. Identifiers: Orphanet 289377, MedGen C2673677, MONDO:0012714, OMIM 611705. Disease mechanism: loss of function.
Myopathy, myofibrillar, 9, with early respiratory failure (MFM9). Also called: Myopathy, distal, with early respiratory failure, autosomal dominant; EDSTROM MYOPATHY; MYOPATHY, PROXIMAL, WITH EARLY RESPIRATORY MUSCLE INVOLVEMENT; Hereditary myopathy with early respiratory failure. Identifiers: Orphanet 178464, Orphanet 34521, MedGen C1863599, MONDO:0011362, OMIM 603689.
Tibial muscular dystrophy (TMD). Also called: Tibial muscular dystrophy, tardive; Udd Distal Myopathy – Tibial Muscular Dystrophy; UDD MYOPATHY. Identifiers: Orphanet 609, MedGen C1838244, MONDO:0010870, OMIM 600334.

Allele frequency attached by ClinVar (database versions not stated): ExAC 0.00004; gnomAD 0.00004 and 0.00006; TOPMed 0.00008; 1000 Genomes Project 0.00020; 1000 Genomes Project 30x 0.00031.
gnomAD v4.1: 91 of 1,613,262 alleles (0.0056%); highest among the groups gnomAD compares: East Asian, 0.011%; no homozygotes.

Submissions (9):

Mayo Clinic Laboratories, Mayo Clinic
Classification: Uncertain significance. Last evaluated: 2022-04-28. Review status: criteria provided, single submitter. Criteria: ACMG Guidelines, 2015. Collection method: clinical testing. Allele origin: germline. Observed: 2 variant alleles.
Comment: BP4

Revvity Omics, Revvity
Classification: Uncertain significance. Last evaluated: 2019-11-19. Review status: criteria provided, single submitter. Criteria: ACMG Guidelines, 2015. Collection method: clinical testing. Allele origin: germline.

Illumina Laboratory Services, Illumina
Classification: Uncertain significance for Early-onset myopathy with fatal cardiomyopathy. Last evaluated: 2017-04-27. Review status: criteria provided, single submitter. Criteria: ICSL Variant Classification Criteria 13 December 2019. Collection method: clinical testing. Allele origin: germline.

Illumina Laboratory Services, Illumina
Classification: Uncertain significance for Tibial muscular dystrophy. Last evaluated: 2017-04-27. Review status: criteria provided, single submitter. Criteria: ICSL Variant Classification Criteria 13 December 2019. Collection method: clinical testing. Allele origin: germline.

Illumina Laboratory Services, Illumina
Classification: Uncertain significance for Myopathy, myofibrillar, 9, with early respiratory failure. Last evaluated: 2017-04-27. Review status: criteria provided, single submitter. Criteria: ICSL Variant Classification Criteria 13 December 2019. Collection method: clinical testing. Allele origin: germline.

Illumina Laboratory Services, Illumina
Classification: Uncertain significance for Autosomal recessive limb-girdle muscular dystrophy type 2J. Last evaluated: 2017-04-27. Review status: criteria provided, single submitter. Criteria: ICSL Variant Classification Criteria 13 December 2019. Collection method: clinical testing. Allele origin: germline.

Illumina Laboratory Services, Illumina
Classification: Uncertain significance for Dilated cardiomyopathy 1G. Last evaluated: 2017-04-27. Review status: criteria provided, single submitter. Criteria: ICSL Variant Classification Criteria 13 December 2019. Collection method: clinical testing. Allele origin: germline.

Labcorp Genetics (formerly Invitae), Labcorp
Classification: Uncertain significance for Dilated cardiomyopathy 1G; Autosomal recessive limb-girdle muscular dystrophy type 2J. Last evaluated: 2016-07-12. Review status: criteria provided, single submitter. Criteria: Invitae Variant Classification Sherloc (09022015). Collection method: clinical testing. Allele origin: germline.

Laboratory for Molecular Medicine, Mass General Brigham Personalized Medicine
Classification: Uncertain significance. Last evaluated: 2013-04-04. Review status: criteria provided, single submitter. Criteria: LMM Criteria. Collection method: clinical testing. Allele origin: germline. Observed: 1 variant allele.
Comment: The Asp16390Asn variant in TTN has not been previously reported or identified in large population studies. Computational analyses (biochemical amino acid proper ties, conservation, AlignGVGD, PolyPhen2, and SIFT) do not provide strong suppor t for or against an impact to the protein. Additional studies are needed to full y assess the clinical significance of this variant.